The following is an entry in ClinVar:

NM_001378454.1(ALMS1):c.539A>G (p.Glu180Gly)

Gene: ALMS1 (ALMS1 centrosome and basal body associated protein; plus strand). Cytogenetic location: 2p13.1.
Variant type: single nucleotide variant.
Coding change: c.539A>G on transcript NM_001378454.1 (MANE Select); coding-DNA position 539, A replaced by G.
Protein change: p.Glu180Gly; replaces glutamic acid 180 with glycine.
Molecular consequence: missense variant.
Genome position (GRCh38, 1-based): chr2:73,419,211, A>G. VCF-style: chr2-73419211-A-G. GRCh37 (hg19) VCF-style: chr2-73646339-A-G.
Other names: c.542A>G, p.Glu181Gly (NM_015120.4); short protein forms E181G, E180G.
Identifiers: ClinVar variation 4983069 (VCV004983069.1).
Genomic context (GRCh38, chr2:73,419,211, plus strand): 5'-AAGAAATGGACTCTTCCCAAACCTTGGATACATCCCAGACTAGGTTTAATGTGAGAACGG[A>G]AGATACTGAAGTGACAGACTTCCCCTCTCTGGAGGAGGGCATATTGACGCAATCAGAAAA-3'
Protein context (NP_001365383.1, residues 170-190): TSQTRFNVRT[Glu180Gly]DTEVTDFPSL

ClinVar aggregate classification (germline): Uncertain significance (1 of 4 stars; one submission).

Conditions:
ALMS1-related disorder. Also called: ALMS1-related condition.

Submission:

PreventionGenetics, part of Exact Sciences
Classification: Uncertain significance for ALMS1-related condition. Last evaluated: 2026-06-15. Review status: criteria provided, single submitter. Criteria: ACMG Guidelines, 2015. Collection method: clinical testing. Allele origin: germline.
Comment: The ALMS1 c.542A>G variant is predicted to result in the amino acid substitution p.Asp181Gly. To our knowledge, this variant has not been reported in the literature or in a large population database (gnomAD), indicating this variant is rare. At this time, the clinical significance of this variant is uncertain due to the absence of conclusive functional and genetic evidence.